The following is an entry in ClinVar:

NM_001267550.2(TTN):c.27887-3C>T

Gene: TTN (titin; minus strand). Cytogenetic location: 2q31.2.
Variant type: single nucleotide variant.
Coding change: c.27887-3C>T on transcript NM_001267550.2 (MANE Select); 3 bases into the intron before coding-DNA position 27887, C replaced by T.
Molecular consequence: intron variant.
Genome position (GRCh38, 1-based): chr2:178,711,352, G>A on the plus strand (C>T on the coding strand, the complement: TTN is on the minus strand). VCF-style: chr2-178711352-G-A. GRCh37 (hg19) VCF-style: chr2-179576079-G-A.
Other names: c.13282+26730C>T (NM_003319.4); c.13858+26730C>T (NM_133437.4); c.13657+26730C>T (NM_133432.3); c.24155-3C>T (NM_133378.4); c.26936-3C>T (NM_001256850.1).
Identifiers: ClinVar variation 3343439 (VCV003343439.1).

ClinVar aggregate classification (germline): Uncertain significance (1 of 4 stars; one submission).

gnomAD v4.1: 1 of 1,590,962 alleles (0.000063%); highest among the groups gnomAD compares: Non-Finnish European, 0.000086%; no homozygotes.

Submission:

GeneDx
Classification: Uncertain significance. Last evaluated: 2023-05-19. Review status: criteria provided, single submitter. Criteria: GeneDx Variant Classification Process June 2021. Collection method: clinical testing. Allele origin: germline. Affected: yes.
Comment: Not observed at significant frequency in large population cohorts (gnomAD); In silico analysis supports that this variant does not alter splicing; Has not been previously published as pathogenic or benign to our knowledge